The following is an entry in ClinVar:

ClinVar aggregate classification (germline): Uncertain significance (1 of 4 stars; one submission).

gnomAD v4.1: 12 of 1,600,178 alleles (0.00075%); highest among the groups gnomAD compares: East Asian, 0.022%; no homozygotes.

Submission:

Labcorp Genetics (formerly Invitae), Labcorp
Classification: Uncertain significance. Last evaluated: 2025-03-26. Review status: criteria provided, single submitter. Criteria: Invitae Variant Classification Sherloc (09022015). Collection method: clinical testing. Allele origin: germline.
Comment: This sequence change replaces valine, which is neutral and non-polar, with methionine, which is neutral and non-polar, at codon 431 of the CAPN5 protein (p.Val431Met). This variant is not present in population databases (gnomAD no frequency). This variant has not been reported in the literature in individuals affected with CAPN5-related conditions. An algorithm developed to predict the effect of missense changes on protein structure and function (PolyPhen-2) suggests that this variant is likely to be disruptive. In summary, the available evidence is currently insufficient to determine the role of this variant in disease. Therefore, it has been classified as a Variant of Uncertain Significance.

NM_004055.5(CAPN5):c.1291G>A (p.Val431Met)

Gene: CAPN5 (calpain 5; plus strand). Cytogenetic location: 11q13.5.
Variant type: single nucleotide variant.
Coding change: c.1291G>A on transcript NM_004055.5 (MANE Select); coding-DNA position 1291, G replaced by A.
Protein change: p.Val431Met; replaces valine 431 with methionine.
Molecular consequence: missense variant. On other transcripts: non-coding transcript variant (1).
Genome position (GRCh38, 1-based): chr11:77,120,713, G>A. VCF-style: chr11-77120713-G-A. GRCh37 (hg19) VCF-style: chr11-76831759-G-A.
Other names: c.1411G>A, p.Val471Met (NM_001425321.1); c.1291G>A, p.Val431Met (NM_001425322.1); c.1159G>A, p.Val387Met (NM_001425323.1); short protein forms V387M, V431M, V471M.
Identifiers: ClinVar variation 4696914 (VCV004696914.1).